The following is an entry in ClinVar:

NM_016203.4(PRKAG2):c.1400-15A>G

Gene: PRKAG2 (protein kinase AMP-activated non-catalytic subunit gamma 2; minus strand). Cytogenetic location: 7q36.1.
Variant type: single nucleotide variant.
Coding change: c.1400-15A>G on transcript NM_016203.4 (MANE Select); 15 bases into the intron before coding-DNA position 1400, A replaced by G.
Molecular consequence: intron variant.
Genome position (GRCh38, 1-based): chr7:151,565,398, T>C on the plus strand (A>G on the coding strand, the complement: PRKAG2 is on the minus strand). VCF-style: chr7-151565398-T-C. GRCh37 (hg19) VCF-style: chr7-151262484-T-C.
Other names: c.1109-15A>G (NM_001407031.1); c.1112-15A>G (NM_001407030.1); c.1397-15A>G (NM_001407023.1, NM_001407022.1); c.1400-15A>G (NM_001407021.1); c.1082-15A>G (NM_001407032.1); c.1265-15A>G (NM_001407026.1, NM_001407027.1); c.1268-15A>G (NM_001040633.2, NM_001407024.1); c.1076-15A>G (NM_001407033.1); and 6 more.
Identifiers: ClinVar variation 3387524 (VCV003387524.1).
Genomic context (GRCh38, chr7:151,565,398, plus strand): 5'-ATACTTACAATTACATCAAATTTGGAATAAATATCTACAACTTTTCCTAAAAATGAAAAA[T>C]ATATGTTAGAAAAATGTCTTAAGGGACAAAAAGAAATTCATTTAAAATCAGTTTTAATGA-3'

ClinVar aggregate classification (germline): Likely benign (1 of 4 stars; one submission).

Conditions:
Hypertrophic cardiomyopathy. Also called: HYPERTROPHIC MYOCARDIOPATHY. Identifiers: Orphanet 217569, MedGen C0007194, MeSH D002312, MONDO:0005045, HP:0001639.

Submission:

All of Us Research Program, National Institutes of Health
Classification: Likely benign for Hypertrophic cardiomyopathy. Last evaluated: 2024-07-20. Review status: criteria provided, single submitter. Criteria: ACMG Guidelines, 2015. Collection method: clinical testing. Allele origin: germline. Inheritance: Autosomal dominant inheritance. Observed: 1 variant allele, 1 heterozygote.
Comment: This study involves interpretation of variants in research participants for the purpose of population health screening. Participant phenotype was not available at the time of variant classification. Additional details can be found in publication PMID: 35346344, PMCID: PMC8962531